The following is an entry in ClinVar:

NM_025225.3(PNPLA3):c.295T>C (p.Cys99Arg)

Gene: PNPLA3 (patatin like domain 3, 1-acylglycerol-3-phosphate O-acyltransferase; plus strand). Cytogenetic location: 22q13.31.
Variant type: single nucleotide variant.
Coding change: c.295T>C on transcript NM_025225.3 (MANE Select); coding-DNA position 295, T replaced by C.
Protein change: p.Cys99Arg; replaces cysteine 99 with arginine.
Molecular consequence: missense variant.
Genome position (GRCh38, 1-based): chr22:43,927,042, T>C. VCF-style: chr22-43927042-T-C. GRCh37 (hg19) VCF-style: chr22-44322922-T-C.
Other names: short protein forms C99R.
Identifiers: ClinVar variation 903230 (VCV000903230.6), dbSNP rs2076213, ClinGen allele CA10277871.

ClinVar aggregate classification (germline): Uncertain significance (1 of 4 stars; one submission).

Conditions:
NAFLD1 (FLD1). Also called: FATTY LIVER DISEASE, SUSCEPTIBILITY TO, 1; Fatty liver disease, nonalcoholic 1. Identifiers: MedGen C2750440, MONDO:0021105, OMIM 613282.

Allele frequency attached by ClinVar (database versions not stated): 1000 Genomes Project 30x 0.00016.
gnomAD v4.1: 1,603 of 1,614,226 alleles (0.099%); highest among the groups gnomAD compares: Admixed American, 0.16%; 2 homozygotes.

Submission:

Illumina Laboratory Services, Illumina
Classification: Uncertain significance for NAFLD1. Last evaluated: 2017-04-28. Review status: criteria provided, single submitter. Criteria: ICSL Variant Classification Criteria 13 December 2019. Collection method: clinical testing. Allele origin: germline.